The following is an entry in ClinVar:

NM_016151.4(TAOK2):c.3301_3308del (p.Gln1101fs)

Gene: TAOK2 (TAO kinase 2; plus strand). Cytogenetic location: 16p11.2.
Variant type: Deletion.
Coding change: c.3301_3308del on transcript NM_016151.4 (MANE Select); coding-DNA positions 3301 to 3308, 8 bases deleted (CAGGGCTG; older notation c.3301_3308delCAGGGCTG).
Protein change: p.Gln1101fs; shifts the reading frame from glutamine 1101.
Molecular consequence: frameshift variant. On other transcripts: intron variant (1).
Genome position (GRCh38, 1-based): chr16:29,987,573-29,987,580, CAGGGCTG deleted; deleting any 8 consecutive bases within chr16:29,987,570-29,987,580 gives the same sequence; the c. name uses the placement nearest the transcript's 3' end. VCF-style (leftmost placement, unchanged base first): chr16-29987569-CCTGCAGGG-C. GRCh37 (hg19) VCF-style: chr16-29998890-CCTGCAGGG-C.
Other names: c.2962_2969del, p.Gln988fs (NM_001252043.2); c.2232+1069_2232+1076del (NM_004783.4); short protein forms Q988fs, Q1101fs.
Identifiers: ClinVar variation 4703065 (VCV004703065.1).

ClinVar aggregate classification (germline): Uncertain significance (1 of 4 stars; one submission).

Submission:

Labcorp Genetics (formerly Invitae), Labcorp
Classification: Uncertain significance. Last evaluated: 2025-06-06. Review status: criteria provided, single submitter. Criteria: Invitae Variant Classification Sherloc (09022015). Collection method: clinical testing. Allele origin: germline.
Comment: This sequence change creates a premature translational stop signal (p.Gln1101Trpfs*33) in the TAOK2 gene. While this is not anticipated to result in nonsense mediated decay, it is expected to disrupt the last 135 amino acid(s) of the TAOK2 protein. This variant is present in population databases (rs756108079, gnomAD 0.002%). This variant has not been reported in the literature in individuals affected with TAOK2-related conditions. Experimental studies and prediction algorithms are not available or were not evaluated, and the functional significance of this variant is currently unknown. In summary, the available evidence is currently insufficient to determine the role of this variant in disease. Therefore, it has been classified as a Variant of Uncertain Significance.